The following is an entry in ClinVar:

ClinVar aggregate classification (germline): Uncertain significance (1 of 4 stars; one submission).

Allele frequency attached by ClinVar (database versions not stated): gnomAD 0.00001; TOPMed 0.00002.

Submission:

Labcorp Genetics (formerly Invitae), Labcorp
Classification: Uncertain significance. Last evaluated: 2023-03-08. Review status: criteria provided, single submitter. Criteria: Invitae Variant Classification Sherloc (09022015). Collection method: clinical testing. Allele origin: germline.
Comment: In summary, the available evidence is currently insufficient to determine the role of this variant in disease. Therefore, it has been classified as a Variant of Uncertain Significance. Variants that disrupt the consensus splice site are a relatively common cause of aberrant splicing (PMID: 17576681, 9536098). Experimental studies and prediction algorithms are not available or were not evaluated, and the effect of this variant on mRNA splicing is currently unknown. This variant has not been reported in the literature in individuals affected with IL18BP-related conditions. This variant is present in population databases (no rsID available, gnomAD 0.002%). This sequence change falls in intron 1 of the IL18BP gene. It does not directly change the encoded amino acid sequence of the IL18BP protein. It affects a nucleotide within the consensus splice site.

Literature cited by the submitters: PubMed 17576681; PubMed 9536098.

NM_001039660.2(IL18BP):c.28+2dup

Gene: IL18BP (interleukin 18 binding protein; plus strand). Cytogenetic location: 11q13.4.
Variant type: Duplication.
Coding change: c.28+2dup on transcript NM_001039660.2 (MANE Select); the canonical splice donor site of the intron after coding-DNA position 28, one base duplicated (T; older notation c.28+2dupT).
Molecular consequence: splice donor variant.
Genome position (GRCh38, 1-based): chr11:72,000,014, T duplicated. VCF-style (leftmost placement, unchanged base first): chr11-72000013-G-GT. GRCh37 (hg19) VCF-style: chr11-71711059-G-GT.
Other names: c.28+2dup (NM_001039659.2, NM_173044.3, NM_005699.3 and 3 more transcripts).
Identifiers: ClinVar variation 2798305 (VCV002798305.3), dbSNP rs1166923677, ClinGen allele CA600072481.